The following is an entry in ClinVar:

ClinVar aggregate classification (germline): Uncertain significance (1 of 4 stars; one submission).

Allele frequency attached by ClinVar (database versions not stated): gnomAD 0.00001; gnomAD exomes 0.00001; 1000 Genomes Project 30x 0.00016; 1000 Genomes Project 0.00020.
gnomAD v4.1: 9 of 1,566,420 alleles (0.00057%); highest among the groups gnomAD compares: East Asian, 0.0024%; no homozygotes.

Submission:

GeneDx
Classification: Uncertain significance. Last evaluated: 2023-02-07. Review status: criteria provided, single submitter. Criteria: GeneDx Variant Classification Process June 2021. Collection method: clinical testing. Allele origin: germline. Affected: yes.
Comment: In silico analysis supports that this missense variant has a deleterious effect on protein structure/function; Has not been previously published as pathogenic or benign to our knowledge

NM_001012614.2(CTBP1):c.487G>A (p.Gly163Arg)

Gene: CTBP1 (C-terminal binding protein 1; minus strand). Cytogenetic location: 4p16.3.
Variant type: single nucleotide variant.
Coding change: c.487G>A on transcript NM_001012614.2 (MANE Select); coding-DNA position 487, G replaced by A.
Protein change: p.Gly163Arg; replaces glycine 163 with arginine.
Molecular consequence: missense variant.
Genome position (GRCh38, 1-based): chr4:1,225,387, C>T on the plus strand (G>A on the coding strand, the complement: CTBP1 is on the minus strand). VCF-style: chr4-1225387-C-T. GRCh37 (hg19) VCF-style: chr4-1219175-C-T.
Other names: c.520G>A, p.Gly174Arg (NM_001328.3, NM_001377186.1); c.487G>A, p.Gly163Arg (NM_001377187.1, NM_001377188.1, NM_001377189.1 and 4 more transcripts); short protein forms G163R, G174R.
Identifiers: ClinVar variation 2574972 (VCV002574972.1), dbSNP rs556334680, ClinGen allele CA91171208.
Genomic context (GRCh38, chr4:1,225,387, plus strand): 5'-AGGGACACAGGCGTGGAGCTGCGGCCGACGCACCAAGTCCGATGATGCCCAAGGTCTCCC[C>T]GCGGATCCTGGCAGCGCCGGACGCCACCTCGCGGATCTGCTCGACGCTCTGGACTCGTGT-3'
Protein context (NP_001012632.1, residues 153-173): EVASGAARIR[Gly163Arg]ETLGIIGLGR